The following is an entry in ClinVar:

NM_001205293.3(CACNA1E):c.4214T>C (p.Val1405Ala)

Gene: CACNA1E (calcium voltage-gated channel subunit alpha1 E; plus strand). Cytogenetic location: 1q25.3.
Variant type: single nucleotide variant.
Coding change: c.4214T>C on transcript NM_001205293.3 (MANE Select); coding-DNA position 4214, T replaced by C.
Protein change: p.Val1405Ala; replaces valine 1405 with alanine.
Molecular consequence: missense variant.
Genome position (GRCh38, 1-based): chr1:181,757,011, T>C. VCF-style: chr1-181757011-T-C. GRCh37 (hg19) VCF-style: chr1-181726147-T-C.
Other names: c.4214T>C, p.Val1405Ala (NM_000721.4); c.4157T>C, p.Val1386Ala (NM_001205294.2); short protein forms V1386A, V1405A.
Identifiers: ClinVar variation 2697697 (VCV002697697.3), dbSNP rs2528973688, ClinGen allele CA343624336.
Genomic context (GRCh38, chr1:181,757,011, plus strand): 5'-CAGAGGAAGACCGAGGCCCAAGCCGCAGCAACCGCATGGAGATGTCTATCTTTTATGTAG[T>C]CTACTTTGTGGTCTTCCCCTTCTTCTTTGTCAATATCTTTGTGGCTCTCATCATCATCAC-3'
Protein context (NP_001192222.1, residues 1395-1415): NRMEMSIFYV[Val1405Ala]YFVVFPFFFV

ClinVar aggregate classification (germline): Uncertain significance (1 of 4 stars; one submission).

Submission:

Labcorp Genetics (formerly Invitae), Labcorp
Classification: Uncertain significance. Last evaluated: 2023-11-20. Review status: criteria provided, single submitter. Criteria: Invitae Variant Classification Sherloc (09022015). Collection method: clinical testing. Allele origin: germline.
Comment: This sequence change replaces valine, which is neutral and non-polar, with alanine, which is neutral and non-polar, at codon 1405 of the CACNA1E protein (p.Val1405Ala). This variant is not present in population databases (gnomAD no frequency). This variant has not been reported in the literature in individuals affected with CACNA1E-related conditions. Advanced modeling of protein sequence and biophysical properties (such as structural, functional, and spatial information, amino acid conservation, physicochemical variation, residue mobility, and thermodynamic stability) has been performed at Invitae for this missense variant, however the output from this modeling did not meet the statistical confidence thresholds required to predict the impact of this variant on CACNA1E protein function. In summary, the available evidence is currently insufficient to determine the role of this variant in disease. Therefore, it has been classified as a Variant of Uncertain Significance.